The following is an entry in ClinVar:

ClinVar aggregate classification (germline): Uncertain significance (1 of 4 stars; one submission).

Conditions:
KBG syndrome (KBGS). Also called: ANKRD11-Related KBG Syndrome. Identifiers: Orphanet 2332, MedGen C0220687, MONDO:0007846, OMIM 148050.

Submission:

Labcorp Genetics (formerly Invitae), Labcorp
Classification: Uncertain significance for KBG syndrome. Last evaluated: 2025-10-16. Review status: criteria provided, single submitter. Criteria: Invitae Variant Classification Sherloc (09022015). Collection method: clinical testing. Allele origin: germline.
Comment: This variant, c.2337_2339del, results in the deletion of 1 amino acid(s) of the ANKRD11 protein (p.Lys779del), but otherwise preserves the integrity of the reading frame. This variant is present in population databases (no rsID available, gnomAD 0.003%). This variant has been observed in individual(s) with ANKRD11-related conditions (PMID: 33057194, 35982159). Experimental studies and prediction algorithms are not available or were not evaluated, and the functional significance of this variant is currently unknown. In summary, the available evidence is currently insufficient to determine the role of this variant in disease. Therefore, it has been classified as a Variant of Uncertain Significance.

Literature cited by the submitters: PubMed 33057194; PubMed 35982159.

NM_013275.6(ANKRD11):c.2331GAA[2] (p.Lys779del)

Gene: ANKRD11 (ankyrin repeat domain 11; minus strand). Cytogenetic location: 16q24.3.
Variant type: Microsatellite.
Coding change: c.2331GAA[2] on transcript NM_013275.6 (MANE Select); two copies in a row of the 3-base unit GAA starting at c.2331; the reference has three copies in a row; one copy, 3 bases deleted.
Protein change: p.Lys779del; deletes lysine 779.
Molecular consequence: inframe deletion.
Genome position (GRCh38, 1-based): chr16:89,284,203-89,284,205, TTC deleted on the plus strand (GAA on the coding strand, the reverse complement: ANKRD11 is on the minus strand); deleting any 3 consecutive bases within chr16:89,284,203-89,284,212 gives the same sequence; the position shown is the placement nearest the transcript's 3' end. VCF-style (leftmost placement, unchanged base first): chr16-89284202-ATTC-A. GRCh37 (hg19) VCF-style: chr16-89350610-ATTC-A.
Other names: c.2331GAA[2], p.Lys779del (NM_001256182.2, NM_001256183.2); short protein forms K779del.
Identifiers: ClinVar variation 2851026 (VCV002851026.3), dbSNP rs1163513451, ClinGen allele CA397162647.